The following is an entry in ClinVar:

NM_001447.3(FAT2):c.188C>T (p.Ala63Val)

Gene: FAT2 (FAT atypical cadherin 2; minus strand). Cytogenetic location: 5q33.1.
Variant type: single nucleotide variant.
Coding change: c.188C>T on transcript NM_001447.3 (MANE Select); coding-DNA position 188, C replaced by T.
Protein change: p.Ala63Val; replaces alanine 63 with valine.
Molecular consequence: missense variant.
Genome position (GRCh38, 1-based): chr5:151,568,744, G>A on the plus strand (C>T on the coding strand, the complement: FAT2 is on the minus strand). VCF-style: chr5-151568744-G-A. GRCh37 (hg19) VCF-style: chr5-150948305-G-A.
Other names: c.188C>T (NM_001447.2); short protein forms A63V.
Identifiers: ClinVar variation 2865076 (VCV002865076.4), dbSNP rs192641187, ClinGen allele CA3522478.

ClinVar aggregate classification (germline): Uncertain significance. Review status: criteria provided, multiple submitters, no conflicts (2 of 4 stars). 2 submissions from 2 submitters: Uncertain significance (2). Last evaluated 2025-01-24.

Allele frequency attached by ClinVar (database versions not stated): gnomAD 0.00007; 1000 Genomes Project 0.00060; 1000 Genomes Project 30x 0.00094.
gnomAD v4.1: 130 of 1,614,108 alleles (0.0081%); highest among the groups gnomAD compares: Middle Eastern, 0.033%; no homozygotes.

Submissions (2):

Ambry Genetics
Classification: Uncertain significance. Last evaluated: 2025-01-24. Review status: criteria provided, single submitter. Criteria: Ambry Variant Classification Scheme 2023. Collection method: clinical testing. Allele origin: germline.

Labcorp Genetics (formerly Invitae), Labcorp
Classification: Uncertain significance. Last evaluated: 2024-07-30. Review status: criteria provided, single submitter. Criteria: Invitae Variant Classification Sherloc (09022015). Collection method: clinical testing. Allele origin: germline.
Comment: This sequence change replaces alanine, which is neutral and non-polar, with valine, which is neutral and non-polar, at codon 63 of the FAT2 protein (p.Ala63Val). This variant is present in population databases (rs192641187, gnomAD 0.05%). This variant has not been reported in the literature in individuals affected with FAT2-related conditions. An algorithm developed to predict the effect of missense changes on protein structure and function (PolyPhen-2) suggests that this variant is likely to be tolerated. In summary, the available evidence is currently insufficient to determine the role of this variant in disease. Therefore, it has been classified as a Variant of Uncertain Significance.